The following is an entry in ClinVar:

NM_004628.5(XPC):c.2061G>A (p.Arg687=)

Gene: XPC (XPC complex subunit, DNA damage recognition and repair factor; minus strand). Cytogenetic location: 3p25.1.
Variant type: single nucleotide variant.
Coding change: c.2061G>A on transcript NM_004628.5 (MANE Select); coding-DNA position 2061, G replaced by A.
Protein change: p.Arg687=; no amino-acid change (arginine 687 retained).
Molecular consequence: synonymous variant. On other transcripts: non-coding transcript variant (2).
Genome position (GRCh38, 1-based): chr3:14,152,389, C>T on the plus strand (G>A on the coding strand, the complement: XPC is on the minus strand). VCF-style: chr3-14152389-C-T. GRCh37 (hg19) VCF-style: chr3-14193889-C-T.
Other names: p.Arg687=; c.1482G>A, p.Arg494= (NM_001354726.2); c.2055G>A, p.Arg685= (NM_001354727.2); c.2043G>A, p.Arg681= (NM_001354729.2); c.1815G>A, p.Arg605= (NM_001354730.2).
Identifiers: ClinVar variation 135469 (VCV000135469.23), dbSNP rs2227998, ClinGen allele CA162865.

ClinVar aggregate classification (germline): Benign/Likely benign. Review status: criteria provided, multiple submitters, no conflicts (2 of 4 stars). 12 submissions from 11 submitters: Benign (10); Likely benign (1). 1 of the submissions does not count toward it. Last evaluated 2026-02-04.

Conditions:
Xeroderma pigmentosum group A (XPA). Also called: Xeroderma pigmentosum, complementation group A; XP, group A; XPA-Related Xeroderma Pigmentosum. Identifiers: Orphanet 910, MedGen C0268135, MONDO:0010210, OMIM 278700.
Xeroderma pigmentosum, group C (XPC). Also called: Xeroderma pigmentosum, complementation group C; XERODERMA PIGMENTOSUM III; XP, GROUP C; XPC-Related Xeroderma Pigmentosum. Identifiers: Orphanet 910, MedGen C2752147, MONDO:0010211, OMIM 278720.

Allele frequency attached by ClinVar (database versions not stated): 1000 Genomes Project 0.23542; 1000 Genomes Project 30x 0.23923; gnomAD exomes 0.25257 and 0.26188; gnomAD 0.26064 and 0.26212; TOPMed 0.26530; ESP Exome Variant Server 0.26583; ExAC 0.27341.
gnomAD v4.1: 420,984 of 1,611,184 alleles (26%); highest among the groups gnomAD compares: African/African-American, 30%; 56,955 homozygotes.

Submissions (12):

Labcorp Genetics (formerly Invitae), Labcorp
Classification: Benign. Last evaluated: 2026-02-04. Review status: criteria provided, single submitter. Criteria: Invitae Variant Classification Sherloc (09022015). Collection method: clinical testing. Allele origin: germline.

KCCC/NGS Laboratory, Kuwait Cancer Control Center
Classification: Benign for Xeroderma pigmentosum, group C. Last evaluated: 2025-02-01. Review status: criteria provided, single submitter. Criteria: ACMG Guidelines, 2015. Collection method: clinical testing. Allele origin: germline. Affected: no.

Blueprint Genetics
Classification: Likely benign. Last evaluated: 2024-11-26. Review status: criteria provided, single submitter. Criteria: ACMG Guidelines, 2015. Collection method: clinical testing. Allele origin: germline.

KCCC/NGS Laboratory, Kuwait Cancer Control Center
Classification: Benign for Xeroderma pigmentosum group A. Last evaluated: 2023-07-07. Review status: criteria provided, single submitter. Criteria: ACMG Guidelines, 2015. Collection method: clinical testing. Allele origin: germline. Affected: yes.

Genome-Nilou Lab
Classification: Benign for Xeroderma pigmentosum, group C. Last evaluated: 2021-12-05. Review status: criteria provided, single submitter. Criteria: ACMG Guidelines, 2015. Collection method: clinical testing. Allele origin: germline. Affected: no.

Women's Health and Genetics/Laboratory Corporation of America, LabCorp
Classification: Benign. Last evaluated: 2021-06-16. Review status: criteria provided, single submitter. Criteria: LabCorp Variant Classification Summary - May 2015. Collection method: clinical testing. Allele origin: germline.
Comment: Variant summary: XPC c.2061G>A results in a synonymous change. 4/4 computational tools predict no significant impact on normal splicing. However, these predictions have yet to be confirmed by functional studies. The variant allele was found at a frequency of 0.25 in 245744 control chromosomes in the gnomAD database, including 8333 homozygotes. The observed variant frequency is approximately 357 fold of the estimated maximal expected allele frequency for a pathogenic variant in XPC causing Xeroderma Pigmentosum phenotype (0.00071), strongly suggesting that the variant is benign. The variant c.2061G>A, has been reported in the literature (example: PMID: 27285993, 10766188). One ClinVar submitter (evaluation after 2014) cites the variant as benign. Based on the evidence outlined above, the variant was classified as benign.

GeneDx
Classification: Benign. Last evaluated: 2019-01-10. Review status: criteria provided, single submitter. Criteria: GeneDx Variant Classification Process June 2021. Collection method: clinical testing. Allele origin: germline. Affected: yes.

Illumina Laboratory Services, Illumina
Classification: Benign for Xeroderma pigmentosum, group C. Last evaluated: 2018-01-13. Review status: criteria provided, single submitter. Criteria: ICSL Variant Classification Criteria 13 December 2019. Collection method: clinical testing. Allele origin: germline.
Comment: This variant was observed in the ICSL laboratory as part of a predisposition screen in an ostensibly healthy population. It had not been previously curated by ICSL or reported in the Human Gene Mutation Database (HGMD: prior to June 1st, 2018), and was therefore a candidate for classification through an automated scoring system. Utilizing variant allele frequency, disease prevalence and penetrance estimates, and inheritance mode, an automated score was calculated to assess if this variant is too frequent to cause the disease. Based on the score and internal cut-off values, a variant classified as benign is not then subjected to further curation. The score for this variant resulted in a classification of benign for this disease.

Mayo Clinic Laboratories, Mayo Clinic
Classification: Benign. Last evaluated: 2015-09-03. Review status: criteria provided, single submitter. Criteria: ACMG Guidelines, 2015. Collection method: clinical testing. Allele origin: germline. Observed: 264 variant alleles.

Breakthrough Genomics
Classification: Benign. Review status: criteria provided, single submitter. Criteria: ACMG Guidelines, 2015. Collection method: not provided. Allele origin: germline. Inheritance: Autosomal recessive inheritance. Affected: yes.

PreventionGenetics, part of Exact Sciences
Classification: Benign. Review status: criteria provided, single submitter. Criteria: ACMG Guidelines, 2015. Collection method: clinical testing. Allele origin: germline.

ITMI
No classification provided. Condition: AllHighlyPenetrant. Last evaluated: 2013-09-19. Review status: no classification provided. Collection method: reference population. Allele origin: germline. Not counted in ClinVar's aggregate classification.
Comment: Please see associated publication for description of ethnicities

Literature cited by the submitters: PubMed 24728327 (cited by ITMI).